The following is an entry in ClinVar:

NM_003718.5(CDK13):c.2141G>T (p.Gly714Val)

Gene: CDK13 (cyclin dependent kinase 13; plus strand). Cytogenetic location: 7p14.1.
Variant type: single nucleotide variant.
Coding change: c.2141G>T on transcript NM_003718.5 (MANE Select); coding-DNA position 2141, G replaced by T.
Protein change: p.Gly714Val; replaces glycine 714 with valine.
Molecular consequence: missense variant.
Genome position (GRCh38, 1-based): chr7:39,999,459, G>T. VCF-style: chr7-39999459-G-T. GRCh37 (hg19) VCF-style: chr7-40039058-G-T.
Other names: c.2141G>T, p.Gly714Val (NM_031267.4); short protein forms G714V.
Identifiers: ClinVar variation 2506768 (VCV002506768.1), dbSNP rs1554326755, ClinGen allele CA367288339.

ClinVar aggregate classification (germline): Pathogenic (1 of 4 stars; one submission).

Submission:

GeneDx
Classification: Pathogenic. Last evaluated: 2023-06-22. Review status: criteria provided, single submitter. Criteria: GeneDx Variant Classification Process June 2021. Collection method: clinical testing. Allele origin: germline. Affected: yes.
Comment: Not observed at significant frequency in large population cohorts (gnomAD); In silico analysis supports that this missense variant has a deleterious effect on protein structure/function; This variant is associated with the following publications: (PMID: 35651941)